The following is an entry in ClinVar:

ClinVar aggregate classification (germline): Pathogenic (1 of 4 stars; one submission).

Conditions:
CEP290-related ciliopathy. Also called: CEP290 ciliopathy. Identifiers: MedGen CN305601, MONDO:0100451.

Submission:

Myriad Genetics, Inc.
Classification: Pathogenic for CEP290-related ciliopathy. Last evaluated: 2026-01-14. Review status: criteria provided, single submitter. Criteria: Myriad Autosomal Dominant, Autosomal Recessive and X-Linked Classification Criteria (2023). Collection method: clinical testing. Allele origin: unknown.
Comment: NM_025114.3(CEP290):c.4220G>A(W1407*) is expected to be pathogenic in the context of CEP290-related disorders. This variant is predicted to lead to an abnormal or absent protein product due to the creation of a premature termination codon in CEP290, a gene where loss-of-function variants are known to be pathogenic. Please note: this variant was assessed in the context of healthy population screening.

NM_025114.4(CEP290):c.4220G>A (p.Trp1407Ter)

Gene: CEP290 (centrosomal protein 290; minus strand). Cytogenetic location: 12q21.32.
Variant type: single nucleotide variant.
Coding change: c.4220G>A on transcript NM_025114.4 (MANE Select); coding-DNA position 4220, G replaced by A.
Protein change: p.Trp1407Ter; replaces tryptophan 1407 with a stop codon.
Molecular consequence: nonsense.
Genome position (GRCh38, 1-based): chr12:88,086,473, C>T on the plus strand (G>A on the coding strand, the complement: CEP290 is on the minus strand). VCF-style: chr12-88086473-C-T. GRCh37 (hg19) VCF-style: chr12-88480250-C-T.
Other names: short protein forms W1407*.
Identifiers: ClinVar variation 5015415 (VCV005015415.1).